The following is an entry in ClinVar:

ClinVar aggregate classification (germline): Pathogenic (1 of 4 stars; one submission).

Conditions:
Hypertrophic cardiomyopathy 26. Also called: Cardiomyopathy, familial hypertrophic, 26. Identifiers: Orphanet 75249, MedGen C4310749, MONDO:0014883, OMIM 617047.
Myofibrillar myopathy 5. Also called: Filaminopathy (type); FILAMINOPATHY, AUTOSOMAL DOMINANT. Identifiers: Orphanet 171445, MedGen C1836050, MONDO:0012289, OMIM 609524.
Distal myopathy with posterior leg and anterior hand involvement. Also called: WILLIAMS DISTAL MYOPATHY. Identifiers: Orphanet 63273, MedGen C3279722, MONDO:0013550, OMIM 614065.

Submission:

Labcorp Genetics (formerly Invitae), Labcorp
Classification: Pathogenic for Distal myopathy with posterior leg and anterior hand involvement; Myofibrillar myopathy 5; Hypertrophic cardiomyopathy 26. Last evaluated: 2025-03-19. Review status: criteria provided, single submitter. Criteria: Invitae Variant Classification Sherloc (09022015). Collection method: clinical testing. Allele origin: germline.
Comment: This sequence change creates a premature translational stop signal (p.Gly771Profs*28) in the FLNC gene. It is expected to result in an absent or disrupted protein product. Loss-of-function variants in FLNC are known to be pathogenic (PMID: 27908349). This variant is not present in population databases (gnomAD no frequency). This variant has not been reported in the literature in individuals affected with FLNC-related conditions. For these reasons, this variant has been classified as Pathogenic.

Literature cited by the submitters: PubMed 27908349.

NM_001458.5(FLNC):c.2311_2314del (p.Gly771fs)

Gene: FLNC (filamin C; plus strand). Cytogenetic location: 7q32.1.
Variant type: Deletion.
Coding change: c.2311_2314del on transcript NM_001458.5 (MANE Select); coding-DNA positions 2311 to 2314, 4 bases deleted (GGCC; older notation c.2311_2314delGGCC).
Protein change: p.Gly771fs; shifts the reading frame from glycine 771.
Molecular consequence: frameshift variant.
Genome position (GRCh38, 1-based): chr7:128,842,620-128,842,623, GGCC deleted; deleting any 4 consecutive bases within chr7:128,842,619-128,842,623 gives the same sequence; the c. name uses the placement nearest the transcript's 3' end. VCF-style (leftmost placement, unchanged base first): chr7-128842618-ACGGC-A. GRCh37 (hg19) VCF-style: chr7-128482672-ACGGC-A.
Other names: c.2311_2314del, p.Gly771fs (NM_001127487.2); short protein forms G771fs.
Identifiers: ClinVar variation 4812464 (VCV004812464.1).
Genomic context (GRCh38, chr7:128,842,618, plus strand): 5'-TGCGACCCCTCCCGCAGGTGAACGTGGGCGAGGGCAGCCACCCCGAGCGGGTAAAGGTGT[ACGGC>A]CCCGGAGTGGAGAAGACAGGCCTCAAGGCCAATGAGCCCACCTACTTCACGGTGGACTGC-3'